The following is an entry in ClinVar:

ClinVar aggregate classification (germline): Uncertain significance (1 of 4 stars; one submission).

Submission:

Labcorp Genetics (formerly Invitae), Labcorp
Classification: Uncertain significance. Last evaluated: 2022-07-29. Review status: criteria provided, single submitter. Criteria: Invitae Variant Classification Sherloc (09022015). Collection method: clinical testing. Allele origin: germline.
Comment: In summary, the available evidence is currently insufficient to determine the role of this variant in disease. Therefore, it has been classified as a Variant of Uncertain Significance. Algorithms developed to predict the effect of sequence changes on RNA splicing suggest that this variant may disrupt the consensus splice site. Algorithms developed to predict the effect of missense changes on protein structure and function are either unavailable or do not agree on the potential impact of this missense change (SIFT: "Tolerated"; PolyPhen-2: "Possibly Damaging"; Align-GVGD: "Class C0"). This variant has not been reported in the literature in individuals affected with LZTR1-related conditions. This variant is not present in population databases (gnomAD no frequency). This sequence change replaces phenylalanine, which is neutral and non-polar, with leucine, which is neutral and non-polar, at codon 419 of the LZTR1 protein (p.Phe419Leu).

NM_006767.4(LZTR1):c.1255T>C (p.Phe419Leu)

Gene: LZTR1 (leucine zipper like post translational regulator 1; plus strand). Cytogenetic location: 22q11.21.
Variant type: single nucleotide variant.
Coding change: c.1255T>C on transcript NM_006767.4 (MANE Select); coding-DNA position 1255, T replaced by C.
Protein change: p.Phe419Leu; replaces phenylalanine 419 with leucine.
Molecular consequence: missense variant.
Genome position (GRCh38, 1-based): chr22:20,992,899, T>C. VCF-style: chr22-20992899-T-C. GRCh37 (hg19) VCF-style: chr22-21347188-T-C.
Other names: short protein forms F419L.
Identifiers: ClinVar variation 2109961 (VCV002109961.4), dbSNP rs2518618988, ClinGen allele CA410774149.
Genomic context (GRCh38, chr22:20,992,899, plus strand): 5'-GCCATGTACATCTTCGGGGGCACGGTGGACAACAACATCCGCAGCGGGGAGATGTACAGG[T>C]TCCAGGTGTGGGGCCTGTGGGCCTGTAGAGCCGGCTGGGTGGACGGATCCCCCGTGATGA-3'
Protein context (NP_006758.2, residues 409-429): NNIRSGEMYR[Phe419Leu]QFSCYPKCTL